The following is an entry in ClinVar:

NM_002645.4(PIK3C2A):c.1065+4T>C

Gene: PIK3C2A (phosphatidylinositol-4-phosphate 3-kinase catalytic subunit type 2 alpha; minus strand). Cytogenetic location: 11p15.1.
Variant type: single nucleotide variant.
Coding change: c.1065+4T>C on transcript NM_002645.4 (MANE Select); 4 bases into the intron after coding-DNA position 1065, T replaced by C.
Molecular consequence: intron variant.
Genome position (GRCh38, 1-based): chr11:17,168,673, A>G on the plus strand (T>C on the coding strand, the complement: PIK3C2A is on the minus strand). VCF-style: chr11-17168673-A-G. GRCh37 (hg19) VCF-style: chr11-17190220-A-G.
Other names: c.-75-13044T>C (NM_001321380.2); c.1065+4T>C (NM_001386870.1, NM_001321378.2).
Identifiers: ClinVar variation 2017137 (VCV002017137.4), dbSNP rs2494263833, ClinGen allele CA2580082725.

ClinVar aggregate classification (germline): Uncertain significance (1 of 4 stars; one submission).

Submission:

Labcorp Genetics (formerly Invitae), Labcorp
Classification: Uncertain significance. Last evaluated: 2022-07-14. Review status: criteria provided, single submitter. Criteria: Invitae Variant Classification Sherloc (09022015). Collection method: clinical testing. Allele origin: germline.
Comment: In summary, the available evidence is currently insufficient to determine the role of this variant in disease. Therefore, it has been classified as a Variant of Uncertain Significance. Variants that disrupt the consensus splice site are a relatively common cause of aberrant splicing (PMID: 17576681, 9536098). Algorithms developed to predict the effect of sequence changes on RNA splicing suggest that this variant is not likely to affect RNA splicing. This variant has not been reported in the literature in individuals affected with PIK3C2A-related conditions. This variant is not present in population databases (gnomAD no frequency). This sequence change falls in intron 2 of the PIK3C2A gene. It does not directly change the encoded amino acid sequence of the PIK3C2A protein. It affects a nucleotide within the consensus splice site.

Literature cited by the submitters: PubMed 17576681; PubMed 9536098.